The following is an entry in ClinVar:

ClinVar aggregate classification (germline): Pathogenic (3 of 4 stars; one submission).

Conditions:
Breast-ovarian cancer, familial, susceptibility to, 1 (BROVCA1). Also called: BRCA1 Hereditary Breast and Ovarian Cancer; OVARIAN CANCER, SUSCEPTIBILITY TO. Identifiers: Orphanet 145, MedGen C2676676, MONDO:0011450, OMIM 604370. Disease mechanism: loss of function.

Submission:

Evidence-based Network for the Interpretation of Germline Mutant Alleles (ENIGMA)
Classification: Pathogenic for Breast-ovarian cancer, familial, susceptibility to, 1. Last evaluated: 2017-12-15. Review status: reviewed by expert panel. Criteria: ENIGMA BRCA1/2 Classification Criteria (2017-06-29). Collection method: curation. Allele origin: germline. Study: ENIGMA.
Comment: Variant allele predicted to encode a truncated non-functional protein.

NM_007294.4(BRCA1):c.3824dup (p.Leu1276fs)

Genes: BRCA1 (BRCA1 DNA repair associated; minus strand), LOC126862571 (BRD4-independent group 4 enhancer GRCh37_chr17:41243136-41244335; plus strand). Cytogenetic location: 17q21.31.
Variant type: Duplication.
Coding change: c.3824dup on transcript NM_007294.4 (MANE Select); coding-DNA position 3824, one base duplicated (T; older notation c.3824dupT).
Protein change: p.Leu1276fs; shifts the reading frame from leucine 1276.
Molecular consequence: frameshift variant. On other transcripts: intron variant (135).
Genome position (GRCh38, 1-based): chr17:43,091,707, A duplicated on the plus strand (T on the coding strand, the reverse complement: BRCA1 is on the minus strand). VCF-style (leftmost placement, unchanged base first): chr17-43091706-T-TA. GRCh37 (hg19) VCF-style: chr17-41243723-T-TA.
Other names: c.3824dupT (NM_007294.3); c.785-675dup (NM_001408401.1, NM_001408396.1, NM_001407985.1 and 13 more transcripts); c.548-675dup (NM_001408494.1); c.665-675dup (NM_001408444.1, NM_001408438.1, NM_001408430.1 and 12 more transcripts); c.671-675dup (NM_001408423.1, NM_001408420.1, NM_001408419.1 and 2 more transcripts); c.788-675dup (NM_001408404.1, NM_001408472.1, NM_001407990.1 and 17 more transcripts); c.578-675dup (NM_001408492.1, NM_001408513.1, NM_001408489.1 and 9 more transcripts); c.644-675dup (NM_001408468.1, NM_001408465.1, NM_001408463.1 and 3 more transcripts); and 42 more; short protein forms L1276fs, L1229fs, L1108fs, L1188fs, L1205fs, L1228fs, L1249fs, L408fs.
Identifiers: ClinVar variation 548295 (VCV000548295.2), dbSNP rs1555586989, ClinGen allele CA658823932.